The following is an entry in ClinVar:

ClinVar aggregate classification (germline): Uncertain significance (1 of 4 stars; one submission).

Allele frequency attached by ClinVar (database versions not stated): TOPMed below 0.00001.

Submission:

Labcorp Genetics (formerly Invitae), Labcorp
Classification: Uncertain significance. Last evaluated: 2023-10-22. Review status: criteria provided, single submitter. Criteria: Invitae Variant Classification Sherloc (09022015). Collection method: clinical testing. Allele origin: germline.
Comment: This sequence change replaces methionine, which is neutral and non-polar, with isoleucine, which is neutral and non-polar, at codon 601 of the GUCY2C protein (p.Met601Ile). This variant is not present in population databases (gnomAD no frequency). This variant has not been reported in the literature in individuals affected with GUCY2C-related conditions. Advanced modeling of protein sequence and biophysical properties (such as structural, functional, and spatial information, amino acid conservation, physicochemical variation, residue mobility, and thermodynamic stability) has been performed at Invitae for this missense variant, however the output from this modeling did not meet the statistical confidence thresholds required to predict the impact of this variant on GUCY2C protein function. In summary, the available evidence is currently insufficient to determine the role of this variant in disease. Therefore, it has been classified as a Variant of Uncertain Significance.

NM_004963.4(GUCY2C):c.1803G>A (p.Met601Ile)

Gene: GUCY2C (guanylate cyclase 2C; minus strand). Cytogenetic location: 12p12.3.
Variant type: single nucleotide variant.
Coding change: c.1803G>A on transcript NM_004963.4 (MANE Select); coding-DNA position 1803, G replaced by A.
Protein change: p.Met601Ile; replaces methionine 601 with isoleucine.
Molecular consequence: missense variant.
Genome position (GRCh38, 1-based): chr12:14,643,701, C>T on the plus strand (G>A on the coding strand, the complement: GUCY2C is on the minus strand). VCF-style: chr12-14643701-C-T. GRCh37 (hg19) VCF-style: chr12-14796635-C-T.
Other names: short protein forms M601I.
Identifiers: ClinVar variation 3001209 (VCV003001209.3), dbSNP rs1947455584, ClinGen allele CA383986307.